The following is an entry in ClinVar:

ClinVar aggregate classification (germline): Conflicting classifications of pathogenicity. Review status: criteria provided, conflicting classifications (1 of 4 stars). 2 submissions from 2 submitters: Uncertain significance (1); Likely benign (1). Last evaluated 2025-07-02.

Conditions:
Hereditary cancer-predisposing syndrome. Also called: Tumor predisposition; Hereditary neoplastic syndrome; Hereditary Cancer Syndrome; Neoplastic Syndromes, Hereditary. Identifiers: Orphanet 140162, MedGen C0027672, MeSH D009386, MONDO:0015356.

Submissions (2):

Ambry Genetics
Classification: Likely benign for Hereditary cancer-predisposing syndrome. Last evaluated: 2025-07-02. Review status: criteria provided, single submitter. Criteria: Ambry Variant Classification Scheme 2023. Collection method: clinical testing. Allele origin: germline.

Labcorp Genetics (formerly Invitae), Labcorp
Classification: Uncertain significance. Last evaluated: 2024-07-04. Review status: criteria provided, single submitter. Criteria: Invitae Variant Classification Sherloc (09022015). Collection method: clinical testing. Allele origin: germline.
Comment: This sequence change replaces serine, which is neutral and polar, with cysteine, which is neutral and slightly polar, at codon 382 of the POLE protein (p.Ser382Cys). This variant is not present in population databases (gnomAD no frequency). This variant has not been reported in the literature in individuals affected with POLE-related conditions. ClinVar contains an entry for this variant (Variation ID: 962710). Advanced modeling of protein sequence and biophysical properties (such as structural, functional, and spatial information, amino acid conservation, physicochemical variation, residue mobility, and thermodynamic stability) performed at Invitae indicates that this missense variant is not expected to disrupt POLE protein function with a negative predictive value of 80%. In summary, the available evidence is currently insufficient to determine the role of this variant in disease. Therefore, it has been classified as a Variant of Uncertain Significance.

NM_006231.4(POLE):c.1144A>T (p.Ser382Cys)

Gene: POLE (DNA polymerase epsilon, catalytic subunit; minus strand). Cytogenetic location: 12q24.33.
Variant type: single nucleotide variant.
Coding change: c.1144A>T on transcript NM_006231.4 (MANE Select); coding-DNA position 1144, A replaced by T.
Protein change: p.Ser382Cys; replaces serine 382 with cysteine.
Molecular consequence: missense variant.
Genome position (GRCh38, 1-based): chr12:132,675,480, T>A on the plus strand (A>T on the coding strand, the complement: POLE is on the minus strand). VCF-style: chr12-132675480-T-A. GRCh37 (hg19) VCF-style: chr12-133252066-T-A.
Other names: short protein forms S382C.
Identifiers: ClinVar variation 962710 (VCV000962710.11), dbSNP rs2043025774, ClinGen allele CA387361056.